The following is an entry in ClinVar:

NM_014208.3(DSPP):c.500T>A (p.Val167Asp)

Genes: DMP1-AS1 (DMP1 and DSPP antisense RNA 1; minus strand), DSPP (dentin sialophosphoprotein; plus strand). Cytogenetic location: 4q22.1.
Variant type: single nucleotide variant.
Coding change: c.500T>A on transcript NM_014208.3 (MANE Select); coding-DNA position 500, T replaced by A.
Protein change: p.Val167Asp; replaces valine 167 with aspartic acid.
Molecular consequence: missense variant.
Genome position (GRCh38, 1-based): chr4:87,612,686, T>A. VCF-style: chr4-87612686-T-A. GRCh37 (hg19) VCF-style: chr4-88533838-T-A.
Other names: short protein forms V167D.
Identifiers: ClinVar variation 1381206 (VCV001381206.6), dbSNP rs1727760478, ClinGen allele CA357603712.

ClinVar aggregate classification (germline): Uncertain significance (1 of 4 stars; one submission).

Submission:

Labcorp Genetics (formerly Invitae), Labcorp
Classification: Uncertain significance. Last evaluated: 2023-10-06. Review status: criteria provided, single submitter. Criteria: Invitae Variant Classification Sherloc (09022015). Collection method: clinical testing. Allele origin: germline.
Comment: This sequence change replaces valine, which is neutral and non-polar, with aspartic acid, which is acidic and polar, at codon 167 of the DSPP protein (p.Val167Asp). This variant is not present in population databases (gnomAD no frequency). This variant has not been reported in the literature in individuals affected with DSPP-related conditions. ClinVar contains an entry for this variant (Variation ID: 1381206). An algorithm developed to predict the effect of missense changes on protein structure and function (PolyPhen-2) suggests that this variant is likely to be disruptive. In summary, the available evidence is currently insufficient to determine the role of this variant in disease. Therefore, it has been classified as a Variant of Uncertain Significance.